The following is an entry in ClinVar:

NM_014290.3(TDRD7):c.2500C>T (p.Arg834Cys)

Gene: TDRD7 (tudor domain containing 7; plus strand). Cytogenetic location: 9q22.33.
Variant type: single nucleotide variant.
Coding change: c.2500C>T on transcript NM_014290.3 (MANE Select); coding-DNA position 2500, C replaced by T.
Protein change: p.Arg834Cys; replaces arginine 834 with cysteine.
Molecular consequence: missense variant.
Genome position (GRCh38, 1-based): chr9:97,482,936, C>T. VCF-style: chr9-97482936-C-T. GRCh37 (hg19) VCF-style: chr9-100245218-C-T.
Other names: c.2278C>T, p.Arg760Cys (NM_001302884.2); short protein forms R760C, R834C.
Identifiers: ClinVar variation 2229877 (VCV002229877.4), dbSNP rs755214186, ClinGen allele CA5146958.

ClinVar aggregate classification (germline): Uncertain significance. Review status: criteria provided, multiple submitters, no conflicts (2 of 4 stars). 2 submissions from 2 submitters: Uncertain significance (2). Last evaluated 2026-04-01.

Conditions:
Inborn genetic diseases. Identifiers: MedGen C0950123, MeSH D030342.

Submissions (2):

CeGaT Center for Human Genetics Tuebingen
Classification: Uncertain significance. Last evaluated: 2026-04-01. Review status: criteria provided, single submitter. Criteria: CeGaT Center For Human Genetics Tuebingen Variant Classification Criteria Version 2. Collection method: clinical testing. Allele origin: germline. Affected: yes. Observed: 1 variant allele.
Comment: TDRD7: PM2, BP4

Ambry Genetics
Classification: Uncertain significance for Inborn genetic diseases. Last evaluated: 2021-06-11. Review status: criteria provided, single submitter. Criteria: Ambry Variant Classification Scheme 2023. Collection method: clinical testing. Allele origin: germline.